The following is an entry in ClinVar:

NM_032130.3(FAM186B):c.1868G>A (p.Arg623His)

Gene: FAM186B (family with sequence similarity 186 member B; minus strand). Cytogenetic location: 12q13.12.
Variant type: single nucleotide variant.
Coding change: c.1868G>A on transcript NM_032130.3 (MANE Select); coding-DNA position 1868, G replaced by A.
Protein change: p.Arg623His; replaces arginine 623 with histidine.
Molecular consequence: missense variant. On other transcripts: non-coding transcript variant (1).
Genome position (GRCh38, 1-based): chr12:49,599,772, C>T on the plus strand (G>A on the coding strand, the complement: FAM186B is on the minus strand). VCF-style: chr12-49599772-C-T. GRCh37 (hg19) VCF-style: chr12-49993555-C-T.
Other names: c.1868G>A (NM_032130.2); short protein forms R623H.
Identifiers: ClinVar variation 1345449 (VCV001345449.4), dbSNP rs150891582, ClinGen allele CA6554610.

ClinVar aggregate classification (germline): Uncertain significance. Review status: criteria provided, multiple submitters, no conflicts (2 of 4 stars). 2 submissions from 2 submitters: Uncertain significance (2). Last evaluated 2025-08-01.

Allele frequency attached by ClinVar (database versions not stated): ExAC 0.00017; gnomAD exomes 0.00023 and 0.00035; TOPMed 0.00023; gnomAD 0.00025 and 0.00028; 1000 Genomes Project 30x 0.00031; ESP Exome Variant Server 0.00038; 1000 Genomes Project 0.00040.
gnomAD v4.1: 536 of 1,614,010 alleles (0.033%); highest among the groups gnomAD compares: Admixed American, 0.043%; no homozygotes.

Submissions (2):

Ambry Genetics
Classification: Uncertain significance. Last evaluated: 2025-08-01. Review status: criteria provided, single submitter. Criteria: Ambry Variant Classification Scheme 2023. Collection method: clinical testing. Allele origin: germline.

Labcorp Genetics (formerly Invitae), Labcorp
Classification: Uncertain significance. Last evaluated: 2022-07-05. Review status: criteria provided, single submitter. Criteria: Invitae Variant Classification Sherloc (09022015). Collection method: clinical testing. Allele origin: germline.
Comment: This sequence change replaces arginine, which is basic and polar, with histidine, which is basic and polar, at codon 623 of the FAM186B protein (p.Arg623His). This variant is present in population databases (rs150891582, gnomAD 0.05%). This variant has not been reported in the literature in individuals affected with FAM186B-related conditions. ClinVar contains an entry for this variant (Variation ID: 1345449). Algorithms developed to predict the effect of missense changes on protein structure and function output the following: SIFT: "Not Available"; PolyPhen-2: "Benign"; Align-GVGD: "Not Available". The histidine amino acid residue is found in multiple mammalian species, which suggests that this missense change does not adversely affect protein function. In summary, the available evidence is currently insufficient to determine the role of this variant in disease. Therefore, it has been classified as a Variant of Uncertain Significance.